The following is an entry in ClinVar:

ClinVar aggregate classification (germline): Uncertain significance (1 of 4 stars; one submission).

Conditions:
ANKRD1-related dilated cardiomyopathy. Identifiers: MedGen CN119551.

Submission:

Labcorp Genetics (formerly Invitae), Labcorp
Classification: Uncertain significance for ANKRD1-related dilated cardiomyopathy. Last evaluated: 2022-03-26. Review status: criteria provided, single submitter. Criteria: Invitae Variant Classification Sherloc (09022015). Collection method: clinical testing. Allele origin: germline.
Comment: In summary, the available evidence is currently insufficient to determine the role of this variant in disease. Therefore, it has been classified as a Variant of Uncertain Significance. Variants that disrupt the consensus splice site are a relatively common cause of aberrant splicing (PMID: 17576681, 9536098). Algorithms developed to predict the effect of sequence changes on RNA splicing suggest that this variant may disrupt the consensus splice site. This variant has not been reported in the literature in individuals affected with ANKRD1-related conditions. This variant is not present in population databases (gnomAD no frequency). This sequence change falls in intron 8 of the ANKRD1 gene. It does not directly change the encoded amino acid sequence of the ANKRD1 protein. It affects a nucleotide within the consensus splice site.

Literature cited by the submitters: PubMed 17576681; PubMed 9536098.

NM_014391.3(ANKRD1):c.849+2dup

Gene: ANKRD1 (ankyrin repeat domain 1; minus strand). Cytogenetic location: 10q23.31.
Variant type: Duplication.
Coding change: c.849+2dup on transcript NM_014391.3 (MANE Select); the canonical splice donor site of the intron after coding-DNA position 849, one base duplicated (T; older notation c.849+2dupT).
Molecular consequence: splice donor variant.
Genome position (GRCh38, 1-based): chr10:90,915,541, A duplicated on the plus strand (T on the coding strand, the reverse complement: ANKRD1 is on the minus strand). VCF-style (leftmost placement, unchanged base first): chr10-90915540-T-TA. GRCh37 (hg19) VCF-style: chr10-92675297-T-TA.
Identifiers: ClinVar variation 1923714 (VCV001923714.5), dbSNP rs1554827576, ClinGen allele CA335070.